The following is an entry in ClinVar:

NM_001101.5(ACTB):c.430G>A (p.Ala144Thr)

Gene: ACTB (actin beta; minus strand). Cytogenetic location: 7p22.1.
Variant type: single nucleotide variant.
Coding change: c.430G>A on transcript NM_001101.5 (MANE Select); coding-DNA position 430, G replaced by A.
Protein change: p.Ala144Thr; replaces alanine 144 with threonine.
Molecular consequence: missense variant.
Genome position (GRCh38, 1-based): chr7:5,528,653, C>T on the plus strand (G>A on the coding strand, the complement: ACTB is on the minus strand). VCF-style: chr7-5528653-C-T. GRCh37 (hg19) VCF-style: chr7-5568284-C-T.
Other names: short protein forms A144T.
Identifiers: ClinVar variation 2501314 (VCV002501314.1), dbSNP rs2533847905, ClinGen allele CA366703702.
Genomic context (GRCh38, chr7:5,528,653, plus strand): 5'-GCACAGTGTGGGTGACCCCGTCACCGGAGTCCATCACGATGCCAGTGGTACGGCCAGAGG[C>T]GTACAGGGATAGCACAGCCTGGATAGCAACGTACATGGCTGGGGTGTTGAAGGTCTCAAA-3'
Protein context (NP_001092.1, residues 134-154): VAIQAVLSLY[Ala144Thr]SGRTTGIVMD

ClinVar aggregate classification (germline): Likely pathogenic (1 of 4 stars; one submission).

Submission:

GeneDx
Classification: Likely pathogenic. Last evaluated: 2023-05-02. Review status: criteria provided, single submitter. Criteria: GeneDx Variant Classification Process June 2021. Collection method: clinical testing. Allele origin: germline. Affected: yes.
Comment: Not observed at significant frequency in large population cohorts (gnomAD); The majority of missense variants in this gene are considered pathogenic (HGMD); In silico analysis supports that this missense variant has a deleterious effect on protein structure/function; Has not been previously published as pathogenic or benign to our knowledge